The following is an entry in ClinVar:

ClinVar aggregate classification (germline): Likely benign (0 of 4 stars; one submission).

Conditions:
KCND3-related disorder. Also called: KCND3-related condition.

Allele frequency attached by ClinVar (database versions not stated): gnomAD exomes below 0.00001.
gnomAD v4.1: 4 of 1,575,718 alleles (0.00025%); highest among the groups gnomAD compares: South Asian, 0.0012%; no homozygotes.

Submission:

PreventionGenetics, part of Exact Sciences
Classification: Likely benign for KCND3-related condition. Last evaluated: 2022-11-23. Review status: no assertion criteria provided. Collection method: clinical testing. Allele origin: germline.
Comment: This variant is classified as likely benign based on ACMG/AMP sequence variant interpretation guidelines (Richards et al. 2015 PMID: 25741868, with internal and published modifications).

NM_001378969.1(KCND3):c.1389G>A (p.Glu463=)

Gene: KCND3 (potassium voltage-gated channel subfamily D member 3; minus strand). Cytogenetic location: 1p13.2.
Variant type: single nucleotide variant.
Coding change: c.1389G>A on transcript NM_001378969.1 (MANE Select); coding-DNA position 1389, G replaced by A.
Protein change: p.Glu463=; no amino-acid change (glutamic acid 463 retained).
Molecular consequence: synonymous variant.
Genome position (GRCh38, 1-based): chr1:111,780,297, C>T on the plus strand (G>A on the coding strand, the complement: KCND3 is on the minus strand). VCF-style: chr1-111780297-C-T. GRCh37 (hg19) VCF-style: chr1-112322919-C-T.
Other names: c.1389G>A, p.Glu463= (NM_001378970.1, NM_004980.5, NM_172198.3).
Identifiers: ClinVar variation 3052055 (VCV003052055.2), dbSNP rs1287381814, ClinGen allele CA419529730.